The following is an entry in ClinVar:

ClinVar aggregate classification (germline): Pathogenic/Likely pathogenic. Review status: criteria provided, multiple submitters, no conflicts (2 of 4 stars). 2 submissions from 2 submitters: Pathogenic (1); Likely pathogenic (1). Last evaluated 2025-03-13.

Conditions:
Sjögren-Larsson syndrome (SLS). Also called: FALDH DEFICIENCY; FATTY ALCOHOL:NAD+ OXIDOREDUCTASE DEFICIENCY; FATTY ALDEHYDE DEHYDROGENASE DEFICIENCY; ICHTHYOSIS, SPASTIC NEUROLOGIC DISORDER, AND OLIGOPHRENIA. Identifiers: Orphanet 816, MedGen C0037231, MONDO:0010031, OMIM 270200.

Submissions (2):

Natera, Inc.
Classification: Pathogenic for Sjögren-Larsson syndrome. Last evaluated: 2025-03-13. Review status: criteria provided, single submitter. Criteria: Natera Variant Classification Schema (03/2026). Collection method: clinical testing. Allele origin: germline.
Comment: The c.681-2A>G variant in ALDH3A2 is a canonical splice acceptor site variant predicted to affect pre-mRNA splicing, which may result in an abnormal transcript and altered protein product. This variant is expected to result in nonsense mediated decay, truncation, or a dysfunctional protein product. This variant is rare in the general population with a frequency below the threshold expected for the associated phenotype(s). Functional studies show that this variant may disrupt protein function (PMID: 10577908). Given the available evidence, this variant is classified as Pathogenic.

Labcorp Genetics (formerly Invitae), Labcorp
Classification: Likely pathogenic. Last evaluated: 2023-05-27. Review status: criteria provided, single submitter. Criteria: Invitae Variant Classification Sherloc (09022015). Collection method: clinical testing. Allele origin: germline.
Comment: In summary, the currently available evidence indicates that the variant is pathogenic, but additional data are needed to prove that conclusively. Therefore, this variant has been classified as Likely Pathogenic. Studies have shown that disruption of this splice site is associated with altered splicing resulting in unknown protein product impact (PMID: 10577908). ClinVar contains an entry for this variant (Variation ID: 1071062). Disruption of this splice site has been observed in individual(s) with Sjogren-Larsson syndrome (PMID: 10577908). This variant is not present in population databases (gnomAD no frequency). This sequence change affects an acceptor splice site in intron 4 of the ALDH3A2 gene. It is expected to disrupt RNA splicing. Variants that disrupt the donor or acceptor splice site typically lead to a loss of protein function (PMID: 16199547), and loss-of-function variants in ALDH3A2 are known to be pathogenic (PMID: 10577908, 10854114).

Literature cited by the submitters: PubMed 10577908 (cited by Natera, Inc. and Labcorp Genetics (formerly Invitae), Labcorp); PubMed 16199547 (cited by Labcorp Genetics (formerly Invitae), Labcorp); PubMed 10854114 (cited by Labcorp Genetics (formerly Invitae), Labcorp).

NM_000382.3(ALDH3A2):c.681-2A>G

Gene: ALDH3A2 (aldehyde dehydrogenase 3 family member A2; plus strand). Cytogenetic location: 17p11.2.
Variant type: single nucleotide variant.
Coding change: c.681-2A>G on transcript NM_000382.3 (MANE Select); the canonical splice acceptor site of the intron before coding-DNA position 681, A replaced by G.
Molecular consequence: splice acceptor variant.
Genome position (GRCh38, 1-based): chr17:19,657,743, A>G. VCF-style: chr17-19657743-A-G. GRCh37 (hg19) VCF-style: chr17-19561056-A-G.
Other names: c.681-2A>G (NM_000382.2, NM_001369137.2, NM_001369138.2 and 4 more transcripts); c.102-2A>G (NM_001369148.2).
Identifiers: ClinVar variation 1071062 (VCV001071062.7), dbSNP rs2152328724, ClinGen allele CA398706691.
Genomic context (GRCh38, chr17:19,657,743, plus strand): 5'-AACAAATGAATATTTGACTGAATTACTGAATTATATAGCTGTTCTGGATGTTTTCCCCTC[A>G]GACGCATAACCTGGGGAAAATACATGAATTGTGGCCAAACCTGCATTGCACCCGACTATA-3'